The following is an entry in ClinVar:

NM_147686.4(TRAF3IP2):c.1006G>C (p.Gly336Arg)

Genes: TRAF3IP2 (TRAF3 interacting protein 2; minus strand), TRAF3IP2-AS1 (TRAF3IP2 antisense RNA 1; plus strand). Cytogenetic location: 6q21.
Variant type: single nucleotide variant.
Coding change: c.1006G>C on transcript NM_147686.4 (MANE Select); coding-DNA position 1006, G replaced by C.
Protein change: p.Gly336Arg; replaces glycine 336 with arginine.
Molecular consequence: missense variant.
Genome position (GRCh38, 1-based): chr6:111,580,213, C>G on the plus strand (G>C on the coding strand, the complement: TRAF3IP2 is on the minus strand). VCF-style: chr6-111580213-C-G. GRCh37 (hg19) VCF-style: chr6-111901416-C-G.
Other names: c.1006G>C, p.Gly336Arg (NM_001164281.3); c.1033G>C, p.Gly345Arg (NM_147200.3); short protein forms G345R, G336R.
Identifiers: ClinVar variation 2110135 (VCV002110135.4), dbSNP rs1796111146, ClinGen allele CA365362872.

ClinVar aggregate classification (germline): Uncertain significance (1 of 4 stars; one submission).

Conditions:
Candidiasis, familial, 8 (CANDF8). Identifiers: Orphanet 1334, MedGen C3714992, MONDO:0014230, OMIM 615527.

Allele frequency attached by ClinVar (database versions not stated): gnomAD exomes below 0.00001.
gnomAD v4.1: 1 of 1,614,086 alleles (0.000062%); highest among the groups gnomAD compares: South Asian, 0.0011%; no homozygotes.

Submission:

Labcorp Genetics (formerly Invitae), Labcorp
Classification: Uncertain significance for Candidiasis, familial, 8. Last evaluated: 2022-03-12. Review status: criteria provided, single submitter. Criteria: Invitae Variant Classification Sherloc (09022015). Collection method: clinical testing. Allele origin: germline.
Comment: This variant has not been reported in the literature in individuals affected with TRAF3IP2-related conditions. This variant is not present in population databases (gnomAD no frequency). This sequence change replaces glycine, which is neutral and non-polar, with arginine, which is basic and polar, at codon 336 of the TRAF3IP2 protein (p.Gly336Arg). Algorithms developed to predict the effect of missense changes on protein structure and function output the following: SIFT: "Tolerated"; PolyPhen-2: "Benign"; Align-GVGD: "Class C0". The arginine amino acid residue is found in multiple mammalian species, which suggests that this missense change does not adversely affect protein function. In summary, the available evidence is currently insufficient to determine the role of this variant in disease. Therefore, it has been classified as a Variant of Uncertain Significance.